The following is an entry in ClinVar:

ClinVar aggregate classification (germline): Conflicting classifications of pathogenicity. Review status: criteria provided, conflicting classifications (1 of 4 stars). 2 submissions from 2 submitters: Uncertain significance (1); Likely benign (1). Last evaluated 2024-10-28.

Conditions:
Inborn genetic diseases. Identifiers: MedGen C0950123, MeSH D030342.
Charcot-Marie-Tooth disease axonal type 2Z. Also called: CHARCOT-MARIE-TOOTH DISEASE, AXONAL, AUTOSOMAL DOMINANT, TYPE 2Z; CHARCOT-MARIE-TOOTH NEUROPATHY, TYPE 2Z. Identifiers: Orphanet 466768, MedGen C5569025, MONDO:0014736, OMIM 616688.

Allele frequency attached by ClinVar (database versions not stated): gnomAD 0.00001; TOPMed 0.00002; ESP Exome Variant Server 0.00015.
gnomAD v4.1: 16 of 1,612,134 alleles (0.00099%); highest among the groups gnomAD compares: East Asian, 0.0067%; no homozygotes.

Submissions (2):

Labcorp Genetics (formerly Invitae), Labcorp
Classification: Uncertain significance for Charcot-Marie-Tooth disease axonal type 2Z. Last evaluated: 2024-10-28. Review status: criteria provided, single submitter. Criteria: Invitae Variant Classification Sherloc (09022015). Collection method: clinical testing. Allele origin: germline.
Comment: This sequence change replaces arginine with cysteine at codon 608 of the MORC2 protein (p.Arg608Cys). The arginine residue is weakly conserved and there is a large physicochemical difference between arginine and cysteine. This variant is present in population databases (rs373963382, gnomAD 0.03%). This variant has not been reported in the literature in individuals affected with MORC2-related conditions. ClinVar contains an entry for this variant (Variation ID: 1354348). Invitae Evidence Modeling of protein sequence and biophysical properties (such as structural, functional, and spatial information, amino acid conservation, physicochemical variation, residue mobility, and thermodynamic stability) has been performed for this missense variant. However, the output from this modeling did not meet the statistical confidence thresholds required to predict the impact of this variant on MORC2 protein function. In summary, the available evidence is currently insufficient to determine the role of this variant in disease. Therefore, it has been classified as a Variant of Uncertain Significance.

Ambry Genetics
Classification: Likely benign for Inborn genetic diseases. Last evaluated: 2020-01-22. Review status: criteria provided, single submitter. Criteria: Ambry Variant Classification Scheme 2023. Collection method: clinical testing. Allele origin: germline.

NM_001303256.3(MORC2):c.1822C>T (p.Arg608Cys)

Gene: MORC2 (MORC family CW-type zinc finger 2; minus strand). Cytogenetic location: 22q12.2.
Variant type: single nucleotide variant.
Coding change: c.1822C>T on transcript NM_001303256.3 (MANE Select); coding-DNA position 1822, C replaced by T.
Protein change: p.Arg608Cys; replaces arginine 608 with cysteine.
Molecular consequence: missense variant.
Genome position (GRCh38, 1-based): chr22:30,935,152, G>A on the plus strand (C>T on the coding strand, the complement: MORC2 is on the minus strand). VCF-style: chr22-30935152-G-A. GRCh37 (hg19) VCF-style: chr22-31331139-G-A.
Other names: c.1822C>T, p.Arg608Cys (NM_001303257.2); c.1636C>T, p.Arg546Cys (NM_014941.3); short protein forms R546C, R608C.
Identifiers: ClinVar variation 1354348 (VCV001354348.8), dbSNP rs373963382, ClinGen allele CA10186827.